The following is an entry in ClinVar:

ClinVar aggregate classification (germline): Benign. Review status: criteria provided, multiple submitters, no conflicts (2 of 4 stars). 3 submissions from 3 submitters: Benign (3). Last evaluated 2018-04-13.

Conditions:
Megaconial type congenital muscular dystrophy (MDCMC). Also called: MUSCULAR DYSTROPHY, CONGENITAL, WITH MITOCHONDRIAL STRUCTURAL ABNORMALITIES; CHKB-Related Muscle Diseases; CHKB-Related Muscular Dystrophy. Identifiers: Orphanet 280671, MedGen C1865233, MONDO:0011246, OMIM 602541.

Allele frequency attached by ClinVar (database versions not stated): 1000 Genomes Project 30x 0.00453; 1000 Genomes Project 0.00499; ExAC 0.00509; ESP Exome Variant Server 0.00587; gnomAD exomes 0.00635; TOPMed 0.00654; gnomAD 0.00660 and 0.00662.

Submissions (3):

GeneDx
Classification: Benign. Last evaluated: 2018-04-13. Review status: criteria provided, single submitter. Criteria: GeneDx Variant Classification Process June 2021. Collection method: clinical testing. Allele origin: germline. Affected: yes.

Illumina Laboratory Services, Illumina
Classification: Benign for Megaconial type congenital muscular dystrophy. Last evaluated: 2018-01-12. Review status: criteria provided, single submitter. Criteria: ICSL Variant Classification Criteria 13 December 2019. Collection method: clinical testing. Allele origin: germline.
Comment: This variant was observed in the ICSL laboratory as part of a predisposition screen in an ostensibly healthy population. It had not been previously curated by ICSL or reported in the Human Gene Mutation Database (HGMD: prior to June 1st, 2018), and was therefore a candidate for classification through an automated scoring system. Utilizing variant allele frequency, disease prevalence and penetrance estimates, and inheritance mode, an automated score was calculated to assess if this variant is too frequent to cause the disease. Based on the score and internal cut-off values, a variant classified as benign is not then subjected to further curation. The score for this variant resulted in a classification of benign for this disease.

Breakthrough Genomics
Classification: Benign. Review status: criteria provided, single submitter. Criteria: ACMG Guidelines, 2015. Collection method: not provided. Allele origin: germline. Inheritance: Autosomal recessive inheritance. Affected: yes.

NM_005198.5(CHKB):c.-48G>T

Genes: CHKB-CPT1B (CHKB-CPT1B readthrough (NMD candidate); minus strand), CHKB (choline kinase beta; minus strand). Cytogenetic location: 22q13.33.
Variant type: single nucleotide variant.
Coding change: c.-48G>T on transcript NM_005198.5 (MANE Select); 48 bases upstream of the start codon, G replaced by T.
Molecular consequence: 5 prime UTR variant. On other transcripts: non-coding transcript variant (1).
Genome position (GRCh38, 1-based): chr22:50,582,829, C>A on the plus strand (G>T on the coding strand, the complement: CHKB is on the minus strand). VCF-style: chr22-50582829-C-A. GRCh37 (hg19) VCF-style: chr22-51021258-C-A.
Identifiers: ClinVar variation 342180 (VCV000342180.8), dbSNP rs41282357, ClinGen allele CA10323953.